The following is an entry in ClinVar:

NM_152515.5(CKAP2L):c.1438A>G (p.Lys480Glu)

Gene: CKAP2L (cytoskeleton associated protein 2 like; minus strand). Cytogenetic location: 2q14.1.
Variant type: single nucleotide variant.
Coding change: c.1438A>G on transcript NM_152515.5 (MANE Select); coding-DNA position 1438, A replaced by G.
Protein change: p.Lys480Glu; replaces lysine 480 with glutamic acid.
Molecular consequence: missense variant. On other transcripts: non-coding transcript variant (1).
Genome position (GRCh38, 1-based): chr2:112,752,431, T>C on the plus strand (A>G on the coding strand, the complement: CKAP2L is on the minus strand). VCF-style: chr2-112752431-T-C. GRCh37 (hg19) VCF-style: chr2-113510008-T-C.
Other names: c.943A>G, p.Lys315Glu (NM_001304361.2); c.1438A>G (NM_152515.3); short protein forms K315E, K480E.
Identifiers: ClinVar variation 1349751 (VCV001349751.8), dbSNP rs367788804, ClinGen allele CA1836649.

ClinVar aggregate classification (germline): Uncertain significance. Review status: criteria provided, multiple submitters, no conflicts (2 of 4 stars). 2 submissions from 2 submitters: Uncertain significance (2). Last evaluated 2025-06-07.

Conditions:
Inborn genetic diseases. Identifiers: MedGen C0950123, MeSH D030342.

Allele frequency attached by ClinVar (database versions not stated): ExAC 0.00003; gnomAD 0.00006; ESP Exome Variant Server 0.00008.
gnomAD v4.1: 64 of 1,611,866 alleles (0.004%); highest among the groups gnomAD compares: African/African-American, 0.008%; no homozygotes.

Submissions (2):

Ambry Genetics
Classification: Uncertain significance for Inborn genetic diseases. Last evaluated: 2025-06-07. Review status: criteria provided, single submitter. Criteria: Ambry Variant Classification Scheme 2023. Collection method: clinical testing. Allele origin: germline.

Labcorp Genetics (formerly Invitae), Labcorp
Classification: Uncertain significance. Last evaluated: 2021-11-05. Review status: criteria provided, single submitter. Criteria: Invitae Variant Classification Sherloc (09022015). Collection method: clinical testing. Allele origin: germline.
Comment: In summary, the available evidence is currently insufficient to determine the role of this variant in disease. Therefore, it has been classified as a Variant of Uncertain Significance. Algorithms developed to predict the effect of missense changes on protein structure and function (SIFT, PolyPhen-2, Align-GVGD) all suggest that this variant is likely to be disruptive. This variant has not been reported in the literature in individuals affected with CKAP2L-related conditions. This variant is present in population databases (rs367788804, gnomAD 0.008%). This sequence change replaces lysine, which is basic and polar, with glutamic acid, which is acidic and polar, at codon 480 of the CKAP2L protein (p.Lys480Glu).